The following is an entry in ClinVar:

ClinVar aggregate classification (germline): Uncertain significance. Review status: criteria provided, multiple submitters, no conflicts (2 of 4 stars). 2 submissions from 2 submitters: Uncertain significance (2). Last evaluated 2025-11-06.

Allele frequency attached by ClinVar (database versions not stated): ExAC 0.00003; gnomAD 0.00003; gnomAD exomes 0.00004 and 0.00009; ESP Exome Variant Server 0.00008.
gnomAD v4.1: 138 of 1,600,866 alleles (0.0086%); highest among the groups gnomAD compares: Non-Finnish European, 0.011%; no homozygotes.

Submissions (2):

Labcorp Genetics (formerly Invitae), Labcorp
Classification: Uncertain significance. Last evaluated: 2025-11-06. Review status: criteria provided, single submitter. Criteria: Invitae Variant Classification Sherloc (09022015). Collection method: clinical testing. Allele origin: germline.
Comment: This sequence change replaces lysine, which is basic and polar, with methionine, which is neutral and non-polar, at codon 634 of the GUF1 protein (p.Lys634Met). This variant is present in population databases (rs377296615, gnomAD 0.008%). This variant has not been reported in the literature in individuals affected with GUF1-related conditions. ClinVar contains an entry for this variant (Variation ID: 1374233). An algorithm developed to predict the effect of missense changes on protein structure and function (PolyPhen-2) suggests that this variant is likely to be disruptive. In summary, the available evidence is currently insufficient to determine the role of this variant in disease. Therefore, it has been classified as a Variant of Uncertain Significance.

Ambry Genetics
Classification: Uncertain significance. Last evaluated: 2024-08-01. Review status: criteria provided, single submitter. Criteria: Ambry Variant Classification Scheme 2023. Collection method: clinical testing. Allele origin: germline.

NM_021927.3(GUF1):c.1901A>T (p.Lys634Met)

Gene: GUF1 (GTP binding elongation factor GUF1; plus strand). Cytogenetic location: 4p12.
Variant type: single nucleotide variant.
Coding change: c.1901A>T on transcript NM_021927.3 (MANE Select); coding-DNA position 1901, A replaced by T.
Protein change: p.Lys634Met; replaces lysine 634 with methionine.
Molecular consequence: missense variant.
Genome position (GRCh38, 1-based): chr4:44,698,572, A>T. VCF-style: chr4-44698572-A-T. GRCh37 (hg19) VCF-style: chr4-44700589-A-T.
Other names: c.929A>T, p.Lys310Met (NM_001345867.2, NM_001345869.2); c.1781A>T, p.Lys594Met (NM_001345868.2); c.1901A>T (NM_021927.2); short protein forms K634M, K310M, K594M.
Identifiers: ClinVar variation 1374233 (VCV001374233.9), dbSNP rs377296615, ClinGen allele CA2905821.